The following is an entry in ClinVar:

NM_005431.2(XRCC2):c.578C>T (p.Ala193Val)

Gene: XRCC2 (X-ray repair cross complementing 2; minus strand). Cytogenetic location: 7q36.1.
Variant type: single nucleotide variant.
Coding change: c.578C>T on transcript NM_005431.2 (MANE Select); coding-DNA position 578, C replaced by T.
Protein change: p.Ala193Val; replaces alanine 193 with valine.
Molecular consequence: missense variant.
Genome position (GRCh38, 1-based): chr7:152,648,907, G>A on the plus strand (C>T on the coding strand, the complement: XRCC2 is on the minus strand). VCF-style: chr7-152648907-G-A. GRCh37 (hg19) VCF-style: chr7-152345992-G-A.
Other names: short protein forms A193V.
Identifiers: ClinVar variation 1480303 (VCV001480303.11), dbSNP rs2116987494, ClinGen allele CA370198388.

ClinVar aggregate classification (germline): Uncertain significance. Review status: criteria provided, multiple submitters, no conflicts (2 of 4 stars). 2 submissions from 2 submitters: Uncertain significance (2). Last evaluated 2024-06-11.

Conditions:
Hereditary cancer-predisposing syndrome. Also called: Tumor predisposition; Hereditary Cancer Syndrome; Hereditary neoplastic syndrome; Neoplastic Syndromes, Hereditary. Identifiers: Orphanet 140162, MedGen C0027672, MeSH D009386, MONDO:0015356.

Allele frequency attached by ClinVar (database versions not stated): gnomAD exomes below 0.00001.
gnomAD v4.1: 2 of 1,614,086 alleles (0.00012%); highest among the groups gnomAD compares: Non-Finnish European, 0.00017%; no homozygotes.

Submissions (2):

Ambry Genetics
Classification: Uncertain significance for Hereditary cancer-predisposing syndrome. Last evaluated: 2024-06-11. Review status: criteria provided, single submitter. Criteria: Ambry Variant Classification Scheme 2023. Collection method: clinical testing. Allele origin: germline.
Comment: The p.A193V variant (also known as c.578C>T), located in coding exon 3 of the XRCC2 gene, results from a C to T substitution at nucleotide position 578. The alanine at codon 193 is replaced by valine, an amino acid with similar properties. This amino acid position is conserved. In addition, this alteration is predicted to be tolerated by in silico analysis. Since supporting evidence is limited at this time, the clinical significance of this alteration remains unclear.

Labcorp Genetics (formerly Invitae), Labcorp
Classification: Uncertain significance. Last evaluated: 2021-07-19. Review status: criteria provided, single submitter. Criteria: Invitae Variant Classification Sherloc (09022015). Collection method: clinical testing. Allele origin: germline.
Comment: This sequence change replaces alanine with valine at codon 193 of the XRCC2 protein (p.Ala193Val). The alanine residue is highly conserved and there is a small physicochemical difference between alanine and valine. This variant is not present in population databases (ExAC no frequency). This variant has not been reported in the literature in individuals affected with XRCC2-related conditions. Algorithms developed to predict the effect of missense changes on protein structure and function output the following: SIFT: "Deleterious"; PolyPhen-2: "Benign"; Align-GVGD: "Class C0". The valine amino acid residue is found in multiple mammalian species, which suggests that this missense change does not adversely affect protein function. In summary, the available evidence is currently insufficient to determine the role of this variant in disease. Therefore, it has been classified as a Variant of Uncertain Significance.